The following is an entry in ClinVar:

NM_024635.4(NAA35):c.1789G>C (p.Asp597His)

Gene: NAA35 (N-alpha-acetyltransferase 35, NatC auxiliary subunit; plus strand). Cytogenetic location: 9q21.33.
Variant type: single nucleotide variant.
Coding change: c.1789G>C on transcript NM_024635.4 (MANE Select); coding-DNA position 1789, G replaced by C.
Protein change: p.Asp597His; replaces aspartic acid 597 with histidine.
Molecular consequence: missense variant.
Genome position (GRCh38, 1-based): chr9:86,018,270, G>C. VCF-style: chr9-86018270-G-C. GRCh37 (hg19) VCF-style: chr9-88633185-G-C.
Other names: c.1789G>C, p.Asp597His (NM_001321881.2, NM_001321882.2); short protein forms D597H.
Identifiers: ClinVar variation 2179232 (VCV002179232.4), dbSNP rs751357555, ClinGen allele CA5107521.

ClinVar aggregate classification (germline): Uncertain significance (1 of 4 stars; one submission).

Allele frequency attached by ClinVar (database versions not stated): ExAC 0.00001; gnomAD 0.00001; TOPMed 0.00001.

Submission:

Labcorp Genetics (formerly Invitae), Labcorp
Classification: Uncertain significance. Last evaluated: 2024-01-29. Review status: criteria provided, single submitter. Criteria: Invitae Variant Classification Sherloc (09022015). Collection method: clinical testing. Allele origin: germline.
Comment: This sequence change replaces aspartic acid, which is acidic and polar, with histidine, which is basic and polar, at codon 597 of the NAA35 protein (p.Asp597His). This variant is present in population databases (rs751357555, gnomAD 0.002%). This variant has not been reported in the literature in individuals affected with NAA35-related conditions. ClinVar contains an entry for this variant (Variation ID: 2179232). An algorithm developed to predict the effect of missense changes on protein structure and function (PolyPhen-2) suggests that this variant is likely to be disruptive. In summary, the available evidence is currently insufficient to determine the role of this variant in disease. Therefore, it has been classified as a Variant of Uncertain Significance.